The following is an entry in ClinVar:

ClinVar aggregate classification (germline): Pathogenic/Likely pathogenic. Review status: criteria provided, multiple submitters, no conflicts (2 of 4 stars). 6 submissions from 6 submitters: Pathogenic (2); Likely pathogenic (2). 2 of the submissions do not count toward it. Last evaluated 2026-01-22.

Conditions:
Jeune thoracic dystrophy. Also called: Jeune syndrome; Infantile thoracic dystrophy; Thoracic pelvic phalangeal dystrophy; Jeune's syndrome; Chondroectodermal dysplasia-like syndrome; Short-rib thoracic dysplasia. Identifiers: Orphanet 474, MedGen C0265275, MONDO:0018770.
DYNC2H1-related disorder. Also called: DYNC2H1-related disorders; DYNC2H1-related condition. Identifiers: MedGen CN378770.
Asphyxiating thoracic dystrophy 3. Also called: Saldino-Noonan Syndrome; SHORT-RIB THORACIC DYSPLASIA 3 WITH OR WITHOUT POLYDACTYLY; POLYDACTYLY WITH NEONATAL CHONDRODYSTROPHY, TYPE I; SHORT-RIB THORACIC DYSPLASIA 3/6 WITH POLYDACTYLY, DIGENIC; Short rib polydactyly syndrome 2B. Identifiers: Orphanet 474, Orphanet 93269, Orphanet 93270, Orphanet 93271, MedGen C0036069, MONDO:0013127, OMIM 613091.

Allele frequency attached by ClinVar (database versions not stated): gnomAD exomes below 0.00001 and 0.00001; TOPMed below 0.00001; gnomAD 0.00001.
gnomAD v4.1: 12 of 1,613,000 alleles (0.00074%); highest among the groups gnomAD compares: East Asian, 0.0045%; no homozygotes.

Submissions (6):

Labcorp Genetics (formerly Invitae), Labcorp
Classification: Likely pathogenic for Jeune thoracic dystrophy. Last evaluated: 2026-01-22. Review status: criteria provided, single submitter. Criteria: Invitae Variant Classification Sherloc (09022015). Collection method: clinical testing. Allele origin: germline.
Comment: This sequence change replaces alanine, which is neutral and non-polar, with valine, which is neutral and non-polar, at codon 1995 of the DYNC2H1 protein (p.Ala1995Val). This variant is present in population databases (no rsID available, gnomAD 0.006%). This missense change has been observed in individual(s) with clinical features of DYNC2H1-related conditions (PMID: 29068549, 36307859, 37007936; internal data). In at least one individual the data is consistent with being in trans (on the opposite chromosome) from a pathogenic variant. ClinVar contains an entry for this variant (Variation ID: 446619). Invitae Evidence Modeling of protein sequence and biophysical properties (such as structural, functional, and spatial information, amino acid conservation, physicochemical variation, residue mobility, and thermodynamic stability) has been performed for this missense variant. However, the output from this modeling did not meet the statistical confidence thresholds required to predict the impact of this variant on DYNC2H1 protein function. This variant disrupts the p.Ala1995 amino acid residue in DYNC2H1. Other variant(s) that disrupt this residue have been determined to be pathogenic (PMID: 29068549). This suggests that this residue is clinically significant, and that variants that disrupt this residue are likely to be disease-causing. In summary, the currently available evidence indicates that the variant is pathogenic, but additional data are needed to prove that conclusively. Therefore, this variant has been classified as Likely Pathogenic.

3billion
Classification: Likely pathogenic for Asphyxiating thoracic dystrophy 3. Last evaluated: 2024-11-26. Review status: criteria provided, single submitter. Criteria: ACMG Guidelines, 2015. Collection method: clinical testing. Allele origin: germline. Affected: yes.
Comment: The variant is observed at an extremely low frequency in the gnomAD v4.1.0 dataset (total allele frequency: <0.001%). Predicted Consequence/Location: The variant is located in a mutational hot spot and/or well-established functional domain in which established pathogenic variants have been reported (PMID: 23456818). Damaging effect on gene or gene product predicted by in silico programs is uncertain [REVEL: 0.33 (damaging >=0.6, benign <0.4), 3Cnet: 0.51 (damaging >=0.6, benign <0.15)]. The same nucleotide change resulting in the same amino acid change has been previously reported to be associated with DYNC2H1 related disorder (ClinVar ID: VCV000446619 /PMID: 29068549).A different missense change at the same codon (p.Ala1995Thr) has been reported as pathogenic/likely pathogenic with strong evidence (ClinVar ID: VCV000419236 /PMID: 29068549 /3billion dataset). Therefore, this variant is classified as Likely pathogenic according to the recommendation of ACMG/AMP guideline.

Blueprint Genetics
Classification: Pathogenic for DYNC2H1-related disorders. Last evaluated: 2023-11-15. Review status: criteria provided, single submitter. Criteria: ACMG Guidelines, 2015. Collection method: clinical testing. Allele origin: germline. Affected: yes. Observed: 1 variant allele.

GeneDx
Classification: Pathogenic. Last evaluated: 2023-10-02. Review status: criteria provided, single submitter. Criteria: GeneDx Variant Classification Process June 2021. Collection method: clinical testing. Allele origin: germline. Affected: yes.
Comment: Not observed at significant frequency in large population cohorts (gnomAD); In silico analysis supports that this missense variant has a deleterious effect on protein structure/function; This variant is associated with the following publications: (PMID: 37007936, 29068549, 33777089, 36307859, 26582918, 24077912)

Dan Cohn Lab, University Of California Los Angeles
Classification: Pathogenic for Asphyxiating thoracic dystrophy. Last evaluated: 2017-06-01. Review status: no assertion criteria provided. Collection method: research. Allele origin: maternal, unknown. Affected: yes. Not counted in ClinVar's aggregate classification.

University of Washington Center for Mendelian Genomics, University of Washington
Classification: Likely pathogenic for asphyxiating thoracic dystrophy. Review status: no assertion criteria provided. Collection method: research. Allele origin: inherited. Affected: yes. Not counted in ClinVar's aggregate classification.

Literature cited by the submitters: PubMed 29068549 (cited by 4 submitters); PubMed 36307859 (cited by Labcorp Genetics (formerly Invitae), Labcorp); PubMed 37007936 (cited by Labcorp Genetics (formerly Invitae), Labcorp).

NM_001377.3(DYNC2H1):c.5984C>T (p.Ala1995Val)

Gene: DYNC2H1 (dynein cytoplasmic 2 heavy chain 1; plus strand). Cytogenetic location: 11q22.3.
Variant type: single nucleotide variant.
Coding change: c.5984C>T on transcript NM_001377.3 (MANE Select); coding-DNA position 5984, C replaced by T.
Protein change: p.Ala1995Val; replaces alanine 1995 with valine.
Molecular consequence: missense variant.
Genome position (GRCh38, 1-based): chr11:103,177,665, C>T. VCF-style: chr11-103177665-C-T. GRCh37 (hg19) VCF-style: chr11-103048394-C-T.
Other names: c.5984C>T, p.Ala1995Val (NM_001080463.2); short protein forms A1995V.
Identifiers: ClinVar variation 446619 (VCV000446619.13), dbSNP rs963717773, ClinGen allele CA227403247.
Genomic context (GRCh38, chr11:103,177,665, plus strand): 5'-TTGTTATTGTTGGTCCAAGTGGTGCTGGAAAATCAACGCTTTGGAGAATGTTAAGGGCTG[C>T]GCTTTGTAAAACTGGCAAAGTAGTGAAACAATATACTATGAATCCCAAAGCTATGCCTCG-3'
Protein context (NP_001368.2, residues 1985-2005): KSTLWRMLRA[Ala1995Val]LCKTGKVVKQ